The following is an entry in ClinVar:

ClinVar aggregate classification (germline): Uncertain significance. Review status: criteria provided, multiple submitters, no conflicts (2 of 4 stars). 2 submissions from 2 submitters: Uncertain significance (2). Last evaluated 2026-09-01.

Conditions:
Alpha thalassemia-X-linked intellectual disability syndrome (ATRX). Also called: ALPHA-THALASSEMIA/IMPAIRED INTELLECTUAL DEVELOPMENT SYNDROME, X-LINKED; ALPHA-THALASSEMIA/MENTAL RETARDATION SYNDROME, X-LINKED; ATR, NONDELETION TYPE; X-linked alpha-thalassemia-mental retardation syndrome; ATR-X syndrome; Alpha thalassemia mental retardation syndrome, nondeletion type, X-linked. Identifiers: Orphanet 847, MedGen C1845055, MONDO:0010519, OMIM 301040.

Allele frequency attached by ClinVar (database versions not stated): gnomAD exomes below 0.00001.
gnomAD v4.1: 1 of 1,209,791 alleles (0.000083%); highest among the groups gnomAD compares: Admixed American, 0.0022%; no homozygotes.

Submissions (2):

CeGaT Center for Human Genetics Tuebingen
Classification: Uncertain significance. Last evaluated: 2026-09-01. Review status: criteria provided, single submitter. Criteria: CeGaT Center For Human Genetics Tuebingen Variant Classification Criteria Version 2. Collection method: clinical testing. Allele origin: germline. Affected: yes. Observed: 1 variant allele.
Comment: ATRX: PM2

Labcorp Genetics (formerly Invitae), Labcorp
Classification: Uncertain significance for Alpha thalassemia-X-linked intellectual disability syndrome. Last evaluated: 2024-05-22. Review status: criteria provided, single submitter. Criteria: Invitae Variant Classification Sherloc (09022015). Collection method: clinical testing. Allele origin: germline.
Comment: This sequence change replaces threonine, which is neutral and polar, with asparagine, which is neutral and polar, at codon 836 of the ATRX protein (p.Thr836Asn). This variant is not present in population databases (gnomAD no frequency). This missense change has been observed in individual(s) with clinical features of ATRX-related conditions (Invitae). ClinVar contains an entry for this variant (Variation ID: 655418). Advanced modeling of protein sequence and biophysical properties (such as structural, functional, and spatial information, amino acid conservation, physicochemical variation, residue mobility, and thermodynamic stability) performed at Invitae indicates that this missense variant is not expected to disrupt ATRX protein function with a negative predictive value of 95%. In summary, the available evidence is currently insufficient to determine the role of this variant in disease. Therefore, it has been classified as a Variant of Uncertain Significance.

NM_000489.6(ATRX):c.2507C>A (p.Thr836Asn)

Gene: ATRX (ATRX chromatin remodeler; minus strand). Cytogenetic location: Xq21.1.
Variant type: single nucleotide variant.
Coding change: c.2507C>A on transcript NM_000489.6 (MANE Select); coding-DNA position 2507, C replaced by A.
Protein change: p.Thr836Asn; replaces threonine 836 with asparagine.
Molecular consequence: missense variant.
Genome position (GRCh38, 1-based): chrX:77,682,749, G>T on the plus strand (C>A on the coding strand, the complement: ATRX is on the minus strand). VCF-style: chrX-77682749-G-T. GRCh37 (hg19) VCF-style: chrX-76938241-G-T.
Other names: c.2393C>A, p.Thr798Asn (NM_138270.5); short protein forms T798N, T836N.
Identifiers: ClinVar variation 655418 (VCV000655418.10), dbSNP rs1603219919, ClinGen allele CA413712063.